The following is an entry in ClinVar:

NM_005245.4(FAT1):c.5831T>C (p.Leu1944Ser)

Gene: FAT1 (FAT atypical cadherin 1; minus strand). Cytogenetic location: 4q35.2.
Variant type: single nucleotide variant.
Coding change: c.5831T>C on transcript NM_005245.4 (MANE Select); coding-DNA position 5831, T replaced by C.
Protein change: p.Leu1944Ser; replaces leucine 1944 with serine.
Molecular consequence: missense variant.
Genome position (GRCh38, 1-based): chr4:186,620,755, A>G on the plus strand (T>C on the coding strand, the complement: FAT1 is on the minus strand). VCF-style: chr4-186620755-A-G. GRCh37 (hg19) VCF-style: chr4-187541909-A-G.
Other names: short protein forms L1944S.
Identifiers: ClinVar variation 2606814 (VCV002606814.3), dbSNP rs752610003, ClinGen allele CA358971662.

ClinVar aggregate classification (germline): Uncertain significance. Review status: criteria provided, multiple submitters, no conflicts (2 of 4 stars). 2 submissions from 2 submitters: Uncertain significance (2). Last evaluated 2025-06-01.

Conditions:
Inborn genetic diseases. Identifiers: MedGen C0950123, MeSH D030342.

Allele frequency attached by ClinVar (database versions not stated): gnomAD 0.00001; gnomAD exomes 0.00001; TOPMed 0.00001.
gnomAD v4.1: 13 of 1,613,850 alleles (0.00081%); highest among the groups gnomAD compares: African/African-American, 0.0027%; no homozygotes.

Submissions (2):

Labcorp Genetics (formerly Invitae), Labcorp
Classification: Uncertain significance. Last evaluated: 2025-06-01. Review status: criteria provided, single submitter. Criteria: Invitae Variant Classification Sherloc (09022015). Collection method: clinical testing. Allele origin: germline.
Comment: This sequence change replaces leucine, which is neutral and non-polar, with serine, which is neutral and polar, at codon 1944 of the FAT1 protein (p.Leu1944Ser). This variant is not present in population databases (gnomAD no frequency). This variant has not been reported in the literature in individuals affected with FAT1-related conditions. ClinVar contains an entry for this variant (Variation ID: 2606814). An algorithm developed to predict the effect of missense changes on protein structure and function (PolyPhen-2) suggests that this variant is likely to be disruptive. In summary, the available evidence is currently insufficient to determine the role of this variant in disease. Therefore, it has been classified as a Variant of Uncertain Significance.

Ambry Genetics
Classification: Uncertain significance for Inborn genetic diseases. Last evaluated: 2023-06-28. Review status: criteria provided, single submitter. Criteria: Ambry Variant Classification Scheme 2023. Collection method: clinical testing. Allele origin: germline.